The following is an entry in ClinVar:

ClinVar aggregate classification (germline): Uncertain significance (1 of 4 stars; one submission).

Conditions:
Neonatal-onset encephalopathy with rigidity and seizures. Also called: Lethal neonatal spasticity-epileptic encephalopathy syndrome. Identifiers: Orphanet 435845, MedGen C3281029, MONDO:0013784, OMIM 614498.

Allele frequency attached by ClinVar (database versions not stated): gnomAD exomes below 0.00001; TOPMed below 0.00001; ExAC 0.00001; gnomAD 0.00001.
gnomAD v4.1: 4 of 1,612,980 alleles (0.00025%); highest among the groups gnomAD compares: Admixed American, 0.0017%; no homozygotes.

Submission:

Labcorp Genetics (formerly Invitae), Labcorp
Classification: Uncertain significance for Neonatal-onset encephalopathy with rigidity and seizures. Last evaluated: 2022-04-11. Review status: criteria provided, single submitter. Criteria: Invitae Variant Classification Sherloc (09022015). Collection method: clinical testing. Allele origin: germline.
Comment: This sequence change replaces leucine, which is neutral and non-polar, with phenylalanine, which is neutral and non-polar, at codon 695 of the BRAT1 protein (p.Leu695Phe). This variant is present in population databases (rs766879861, gnomAD 0.0009%). This variant has not been reported in the literature in individuals affected with BRAT1-related conditions. ClinVar contains an entry for this variant (Variation ID: 1007475). Algorithms developed to predict the effect of missense changes on protein structure and function output the following: SIFT: "Tolerated"; PolyPhen-2: "Benign"; Align-GVGD: "Class C0". The phenylalanine amino acid residue is found in multiple mammalian species, which suggests that this missense change does not adversely affect protein function. In summary, the available evidence is currently insufficient to determine the role of this variant in disease. Therefore, it has been classified as a Variant of Uncertain Significance.

NM_152743.4(BRAT1):c.2083C>T (p.Leu695Phe)

Gene: BRAT1 (BRCA1 associated ATM activator 1; minus strand). Cytogenetic location: 7p22.3.
Variant type: single nucleotide variant.
Coding change: c.2083C>T on transcript NM_152743.4 (MANE Select); coding-DNA position 2083, C replaced by T.
Protein change: p.Leu695Phe; replaces leucine 695 with phenylalanine.
Molecular consequence: missense variant. On other transcripts: non-coding transcript variant (1).
Genome position (GRCh38, 1-based): chr7:2,538,452, G>A on the plus strand (C>T on the coding strand, the complement: BRAT1 is on the minus strand). VCF-style: chr7-2538452-G-A. GRCh37 (hg19) VCF-style: chr7-2578086-G-A.
Other names: c.2263C>T, p.Leu755Phe (NM_001350626.2); c.1558C>T, p.Leu520Phe (NM_001350627.2); short protein forms L520F, L695F, L755F.
Identifiers: ClinVar variation 1007475 (VCV001007475.6), dbSNP rs766879861, ClinGen allele CA4127464.